The following is an entry in ClinVar:

NM_012210.4(TRIM32):c.889A>G (p.Lys297Glu)

Genes: ASTN2 (astrotactin 2; minus strand), TRIM32 (tripartite motif containing 32; plus strand). Cytogenetic location: 9q33.1.
Variant type: single nucleotide variant.
Coding change: c.889A>G on transcript NM_012210.4 (MANE Select); coding-DNA position 889, A replaced by G.
Protein change: p.Lys297Glu; replaces lysine 297 with glutamic acid.
Molecular consequence: missense variant. On other transcripts: intron variant (3).
Genome position (GRCh38, 1-based): chr9:116,698,631, A>G. VCF-style: chr9-116698631-A-G. GRCh37 (hg19) VCF-style: chr9-119460910-A-G.
Other names: c.889A>G, p.Lys297Glu (NM_001099679.2, NM_001379048.1, NM_001379049.1 and 1 more transcripts); c.2653+27140T>C (NM_014010.5); c.2794+27140T>C (NM_001365069.1); c.2806+27140T>C (NM_001365068.1); short protein forms K297E.
Identifiers: ClinVar variation 565373 (VCV000565373.17), dbSNP rs759742371, ClinGen allele CA5211064.

ClinVar aggregate classification (germline): Uncertain significance. Review status: criteria provided, multiple submitters, no conflicts (2 of 4 stars). 4 submissions from 4 submitters: Uncertain significance (4). Last evaluated 2026-05-12.

Conditions:
TRIM32-related disorder. Also called: TRIM32-related condition.
Sarcotubular myopathy (LGMDR8). Also called: Autosomal recessive limb-girdle muscular dystrophy type 2H; MUSCULAR DYSTROPHY, LIMB-GIRDLE, AUTOSOMAL RECESSIVE 8; Hutterite type of muscular dystrophy; Limb-girdle muscular dystrophy, type 2H. Identifiers: Orphanet 1878, MedGen C0270968, MONDO:0009683, OMIM 254110.
Bardet-Biedl syndrome 11 (BBS11). Identifiers: Orphanet 110, MedGen C1859569, MONDO:0014439, OMIM 615988.
Bardet-Biedl syndrome (BBS). Identifiers: Orphanet 110, MedGen C0752166, MONDO:0015229.

Allele frequency attached by ClinVar (database versions not stated): gnomAD 0.00001; gnomAD exomes 0.00004 and 0.00019; TOPMed 0.00006; ExAC 0.00019.
gnomAD v4.1: 59 of 1,614,030 alleles (0.0037%); highest among the groups gnomAD compares: Admixed American, 0.098%; no homozygotes.

Submissions (4):

PreventionGenetics, part of Exact Sciences
Classification: Uncertain significance for TRIM32-related condition. Last evaluated: 2026-05-12. Review status: criteria provided, single submitter. Criteria: ACMG Guidelines, 2015. Collection method: clinical testing. Allele origin: germline.
Comment: The TRIM32 c.889A>G variant is predicted to result in the amino acid substitution p.Lys297Glu. To our knowledge, this variant has not been reported in the literature. This variant is reported in 0.14% of alleles in individuals of Latino descent in gnomAD, which is more common than expected for an undocumented cause of disease. Although we suspect this variant may be benign, at this time, the clinical significance is uncertain due to the absence of conclusive functional and genetic evidence.

Fulgent Genetics
Classification: Uncertain significance for Sarcotubular myopathy; Bardet-Biedl syndrome 11. Last evaluated: 2024-05-02. Review status: criteria provided, single submitter. Criteria: ACMG Guidelines, 2015. Collection method: clinical testing. Allele origin: germline.

Labcorp Genetics (formerly Invitae), Labcorp
Classification: Uncertain significance for Bardet-Biedl syndrome. Last evaluated: 2024-01-18. Review status: criteria provided, single submitter. Criteria: Invitae Variant Classification Sherloc (09022015). Collection method: clinical testing. Allele origin: germline.
Comment: This sequence change replaces lysine, which is basic and polar, with glutamic acid, which is acidic and polar, at codon 297 of the TRIM32 protein (p.Lys297Glu). This variant is present in population databases (rs759742371, gnomAD 0.1%). This variant has not been reported in the literature in individuals affected with TRIM32-related conditions. ClinVar contains an entry for this variant (Variation ID: 565373). An algorithm developed to predict the effect of missense changes on protein structure and function (PolyPhen-2) suggests that this variant is likely to be disruptive. In summary, the available evidence is currently insufficient to determine the role of this variant in disease. Therefore, it has been classified as a Variant of Uncertain Significance.

Revvity Omics, Revvity
Classification: Uncertain significance. Last evaluated: 2021-06-08. Review status: criteria provided, single submitter. Criteria: ACMG Guidelines, 2015. Collection method: clinical testing. Allele origin: germline.